The following continues an entry in ClinVar:

NM_000257.4(MYH7):c.2420G>A (p.Arg807His)

ClinVar aggregate classification (germline): Conflicting classifications of pathogenicity. Pathogenic (1); Likely pathogenic (1); Uncertain significance (7).

Submissions 8 to 9 of 9:

Ambry Genetics
Classification: Uncertain significance for Cardiovascular phenotype. Last evaluated: 2022-03-17. Review status: criteria provided, single submitter. Criteria: Ambry Variant Classification Scheme 2023. Collection method: clinical testing. Allele origin: germline.
Comment: The p.R807H variant (also known as c.2420G>A), located in coding exon 19 of the MYH7 gene, results from a G to A substitution at nucleotide position 2420. The arginine at codon 807 is replaced by histidine, an amino acid with highly similar properties. This alteration is located in the myosin head domain, which contains a statistically significant clustering of pathogenic missense variants (Homburger JR et al. Proc Natl Acad Sci U S A, 2016 06;113:6701-6; Walsh R et al. Genet Med, 2017 02;19:192-203; Ambry internal data). This variant has been reported in hypertrophic cardiomyopathy (HCM) and dilated cardiomyopathy (DCM) cohorts; however, clinical details were limited, and at least one individual had a co-occurring MYH7 pathogenic variant (Burns C et al. Circ Cardiovasc Genet, 2017 Aug;10:[Epub ahead of print; Marstrand P et al. Circulation, 2020 04;141:1371-1383; Mazzarotto F et al. Circulation, 2020 02;141:387-398). This amino acid position is well conserved in available vertebrate species. In addition, this alteration is predicted to be deleterious by in silico analysis. Since supporting evidence is limited at this time, the clinical significance of this alteration remains unclear.

Agnes Ginges Centre for Molecular Cardiology, Centenary Institute
Classification: Likely pathogenic for Hypertrophic cardiomyopathy 1. Last evaluated: 2018-06-14. Review status: criteria provided, single submitter. Criteria: ACMG Guidelines, 2015. Collection method: research. Allele origin: germline. Inheritance: Autosomal dominant inheritance. Affected: yes.
Comment: MYH7 Arg807His has been reported in 2 other HCM probands (Erdmann J, et al., 2003) and is present at low frequency in Exome Aggregation Consortium dataset (MAF=0.000008). In silico tools SIFT, PolyPhen2, PolyPhen-HCM and MutationTaster predict this variant to be deleterious. In a large HCM population study Walsh et al., showed that MYH7 variants identified in HCM cases were found to cluster between amino acids 181- 937 (2017), this implies that variants in this region are likely to cause a HCM phenotype. Based on the adapted ACMG guidelines (Kelly MA, et al., 2018) the variant is located in a known functional domain of MYH7 (PM1), is rare in the general population (PM2), is predicted to be deleterious by multiple in silico tools (PP3) and has been identified in at least 3 HCM probands (PS4_supporting), therefore we classify MYH7 Arg807His as 'likely pathogenic'.

Literature cited by the submitters: PubMed 28790153 (cited by 6 submitters); PubMed 31983221 (cited by 6 submitters); PubMed 36252119 (cited by 3 submitters); PubMed 37652022 (cited by Labcorp Genetics (formerly Invitae), Labcorp and Mayo Clinic Laboratories, Mayo Clinic); PubMed 39237976 (cited by Victorian Clinical Genetics Services, Murdoch Childrens Research Institute); PubMed 36357925 (cited by Victorian Clinical Genetics Services, Murdoch Childrens Research Institute); PubMed 30471092 (cited by Victorian Clinical Genetics Services, Murdoch Childrens Research Institute); PubMed 37904629 (cited by Victorian Clinical Genetics Services, Murdoch Childrens Research Institute); PubMed 33954932 (cited by Victorian Clinical Genetics Services, Murdoch Childrens Research Institute); PubMed 29773157 (cited by Victorian Clinical Genetics Services, Murdoch Childrens Research Institute); PubMed 24714796 (cited by Victorian Clinical Genetics Services, Murdoch Childrens Research Institute); PubMed 32228044 (cited by 4 submitters); PubMed 29300372 (cited by Victorian Clinical Genetics Services, Murdoch Childrens Research Institute); PubMed 34819141 (cited by Victorian Clinical Genetics Services, Murdoch Childrens Research Institute); PubMed 27532257 (cited by Color Diagnostics, LLC DBA Color Health and All of Us Research Program, National Institutes of Health); PubMed 12974739 (cited by Agnes Ginges Centre for Molecular Cardiology, Centenary Institute).